The following is an entry in ClinVar:

ClinVar aggregate classification (germline): Uncertain significance (1 of 4 stars; one submission).

Conditions:
Cardiomyopathy (CMYO). Also called: Cardiomyopathies. Identifiers: Orphanet 167848, MedGen C0878544, MONDO:0004994, HP:0001638. Inheritance: Various modes of inheritance.

gnomAD v4.1: 3 of 1,607,650 alleles (0.00019%); highest among the groups gnomAD compares: South Asian, 0.0011%; no homozygotes.

Submission:

Color Diagnostics, LLC DBA Color Health
Classification: Uncertain significance for Cardiomyopathy. Last evaluated: 2025-11-17. Review status: criteria provided, single submitter. Criteria: ACMG Guidelines, 2015. Collection method: clinical testing. Allele origin: germline.
Comment: This missense variant replaces isoleucine with threonine at codon 3093 of the RYR2 protein. Computational prediction suggests that this variant may not impact protein structure and function. To our knowledge, functional studies have not been reported for this variant. This variant has not been reported in individuals affected with RYR2-related disorders in the literature. This variant has been identified in 3/1607650 chromosomes in the general population by the Genome Aggregation Database (gnomAD). The available evidence is insufficient to determine the role of this variant in disease conclusively. Therefore, this variant is classified as a Variant of Uncertain Significance.

NM_001035.3(RYR2):c.9278T>C (p.Ile3093Thr)

Gene: RYR2 (ryanodine receptor 2; plus strand). Cytogenetic location: 1q43.
Variant type: single nucleotide variant.
Coding change: c.9278T>C on transcript NM_001035.3 (MANE Select); coding-DNA position 9278, T replaced by C.
Protein change: p.Ile3093Thr; replaces isoleucine 3093 with threonine.
Molecular consequence: missense variant.
Genome position (GRCh38, 1-based): chr1:237,700,378, T>C. VCF-style: chr1-237700378-T-C. GRCh37 (hg19) VCF-style: chr1-237863678-T-C.
Other names: short protein forms I3093T.
Identifiers: ClinVar variation 4758832 (VCV004758832.1).